The following is an entry in ClinVar:

ClinVar aggregate classification (germline): Uncertain significance. Review status: criteria provided, multiple submitters, no conflicts (2 of 4 stars). 2 submissions from 2 submitters: Uncertain significance (2). Last evaluated 2024-11-21.

Conditions:
Centromeric instability of chromosomes 1,9 and 16 and immunodeficiency (ICF1). Also called: Immunodeficiency-centromeric instability-facial anomalies; IMMUNE DEFICIENCY, VARIABLE, WITH CENTROMERIC INSTABILITY OF CHROMOSOMES 1, 9, AND 16; IMMUNODEFICIENCY SYNDROME, VARIABLE; CENTROMERIC INSTABILITY, IMMUNODEFICIENCY SYNDROME. Identifiers: Orphanet 2268, MedGen C0398788, MONDO:0000133.

Allele frequency attached by ClinVar (database versions not stated): TOPMed 0.00005; gnomAD 0.00006.
gnomAD v4.1: 56 of 1,613,884 alleles (0.0035%); highest among the groups gnomAD compares: Non-Finnish European, 0.0047%; no homozygotes.

Submissions (2):

Blueprint Genetics
Classification: Uncertain significance. Last evaluated: 2024-11-21. Review status: criteria provided, single submitter. Criteria: ACMG Guidelines, 2015. Collection method: clinical testing. Allele origin: germline.

Labcorp Genetics (formerly Invitae), Labcorp
Classification: Uncertain significance for Centromeric instability of chromosomes 1,9 and 16 and immunodeficiency. Last evaluated: 2022-08-23. Review status: criteria provided, single submitter. Criteria: Invitae Variant Classification Sherloc (09022015). Collection method: clinical testing. Allele origin: germline.
Comment: This sequence change replaces alanine, which is neutral and non-polar, with proline, which is neutral and non-polar, at codon 14 of the DNMT3B protein (p.Ala14Pro). This variant is present in population databases (rs770859652, gnomAD 0.009%). This variant has not been reported in the literature in individuals affected with DNMT3B-related conditions. ClinVar contains an entry for this variant (Variation ID: 1404403). Algorithms developed to predict the effect of missense changes on protein structure and function are either unavailable or do not agree on the potential impact of this missense change (SIFT: "Deleterious"; PolyPhen-2: "Possibly Damaging"; Align-GVGD: "Class C0"). In summary, the available evidence is currently insufficient to determine the role of this variant in disease. Therefore, it has been classified as a Variant of Uncertain Significance.

NM_006892.4(DNMT3B):c.40G>C (p.Ala14Pro)

Gene: DNMT3B (DNA methyltransferase 3 beta; plus strand). Cytogenetic location: 20q11.21.
Variant type: single nucleotide variant.
Coding change: c.40G>C on transcript NM_006892.4 (MANE Select); coding-DNA position 40, G replaced by C.
Protein change: p.Ala14Pro; replaces alanine 14 with proline.
Molecular consequence: missense variant.
Genome position (GRCh38, 1-based): chr20:32,780,363, G>C. VCF-style: chr20-32780363-G-C. GRCh37 (hg19) VCF-style: chr20-31368169-G-C.
Other names: c.40G>C, p.Ala14Pro (NM_001207055.2, NM_001207056.2, NM_175848.2 and 1 more transcripts); c.76G>C, p.Ala26Pro (NM_175850.3); short protein forms A14P, A26P.
Identifiers: ClinVar variation 1404403 (VCV001404403.4), dbSNP rs770859652, ClinGen allele CA9810004.